The following is an entry in ClinVar:

NM_000257.4(MYH7):c.438G>A (p.Lys146=)

Gene: MYH7 (myosin heavy chain 7; minus strand). Cytogenetic location: 14q11.2.
Variant type: single nucleotide variant.
Coding change: c.438G>A on transcript NM_000257.4 (MANE Select); coding-DNA position 438, G replaced by A.
Protein change: p.Lys146=; no amino-acid change (lysine 146 retained).
Molecular consequence: synonymous variant.
Genome position (GRCh38, 1-based): chr14:23,432,703, C>T on the plus strand (G>A on the coding strand, the complement: MYH7 is on the minus strand). VCF-style: chr14-23432703-C-T. GRCh37 (hg19) VCF-style: chr14-23901912-C-T.
Other names: c.438G>A (LRG_384t1).
Identifiers: ClinVar variation 378886 (VCV000378886.6), dbSNP rs397516212, ClinGen allele CA16606543.

ClinVar aggregate classification (germline): Likely benign. Review status: criteria provided, multiple submitters, no conflicts (2 of 4 stars). 4 submissions from 4 submitters: Likely benign (4). Last evaluated 2024-04-20.

Conditions:
Cardiomyopathy (CMYO). Also called: Cardiomyopathies. Identifiers: Orphanet 167848, MedGen C0878544, MONDO:0004994, HP:0001638. Inheritance: Various modes of inheritance.
Cardiovascular phenotype. Identifiers: MedGen CN230736.
Hypertrophic cardiomyopathy. Also called: HYPERTROPHIC MYOCARDIOPATHY. Identifiers: Orphanet 217569, MedGen C0007194, MeSH D002312, MONDO:0005045, HP:0001639.

gnomAD v4.1: 2 of 1,614,146 alleles (0.00012%); highest among the groups gnomAD compares: Non-Finnish European, 0.00017%; no homozygotes.

Submissions (4):

Ambry Genetics
Classification: Likely benign for Cardiovascular phenotype. Last evaluated: 2024-04-20. Review status: criteria provided, single submitter. Criteria: Ambry Variant Classification Scheme 2023. Collection method: clinical testing. Allele origin: germline.

Labcorp Genetics (formerly Invitae), Labcorp
Classification: Likely benign for Hypertrophic cardiomyopathy. Last evaluated: 2024-02-15. Review status: criteria provided, single submitter. Criteria: Invitae Variant Classification Sherloc (09022015). Collection method: clinical testing. Allele origin: germline.

Color Diagnostics, LLC DBA Color Health
Classification: Likely benign for Cardiomyopathy. Last evaluated: 2019-05-16. Review status: criteria provided, single submitter. Criteria: ACMG Guidelines, 2015. Collection method: clinical testing. Allele origin: germline.

GeneDx
Classification: Likely benign. Last evaluated: 2016-11-29. Review status: criteria provided, single submitter. Criteria: GeneDx Variant Classification (06012015). Collection method: clinical testing. Allele origin: germline. Affected: yes.
Comment: This variant is considered likely benign or benign based on one or more of the following criteria: it is a conservative change, it occurs at a poorly conserved position in the protein, it is predicted to be benign by multiple in silico algorithms, and/or has population frequency not consistent with disease.